The following is an entry in ClinVar:

NM_000807.4(GABRA2):c.166C>T (p.Arg56Trp)

Gene: GABRA2 (gamma-aminobutyric acid type A receptor subunit alpha2; minus strand). Cytogenetic location: 4p12.
Variant type: single nucleotide variant.
Coding change: c.166C>T on transcript NM_000807.4 (MANE Select); coding-DNA position 166, C replaced by T.
Protein change: p.Arg56Trp; replaces arginine 56 with tryptophan.
Molecular consequence: missense variant. On other transcripts: synonymous variant (4).
Genome position (GRCh38, 1-based): chr4:46,386,095, G>A on the plus strand (C>T on the coding strand, the complement: GABRA2 is on the minus strand). VCF-style: chr4-46386095-G-A. GRCh37 (hg19) VCF-style: chr4-46388112-G-A.
Other names: c.166C>T, p.Arg56Trp (NM_001330690.2, NM_001377144.1, NM_001377145.1 and 8 more transcripts); c.69C>T, p.Ile23= (NM_001377152.1, NM_001286827.3, NM_001377153.1 and 1 more transcripts); short protein forms R56W.
Identifiers: ClinVar variation 2102687 (VCV002102687.7), dbSNP rs1308837249, ClinGen allele CA356802956.

ClinVar aggregate classification (germline): Uncertain significance. Review status: criteria provided, multiple submitters, no conflicts (2 of 4 stars). 3 submissions from 3 submitters: Uncertain significance (2). 1 of the submissions does not count toward it. Last evaluated 2024-06-03.

Conditions:
Developmental and epileptic encephalopathy, 78. Also called: EPILEPTIC ENCEPHALOPATHY, EARLY INFANTILE, 78. Identifiers: MedGen C5231409, MONDO:0032812, OMIM 618557.
Alcohol dependence. Also called: ALCOHOL DEPENDENCE, PROTECTION AGAINST; Addictive alcohol use. Identifiers: MedGen C0001973, MONDO:0007079, OMIM 103780, HP:0030955.

Allele frequency attached by ClinVar (database versions not stated): gnomAD exomes below 0.00001; gnomAD 0.00001.
gnomAD v4.1: 3 of 1,609,304 alleles (0.00019%); highest among the groups gnomAD compares: Admixed American, 0.0017%; no homozygotes.

Submissions (3):

Labcorp Genetics (formerly Invitae), Labcorp
Classification: Uncertain significance. Last evaluated: 2024-06-03. Review status: criteria provided, single submitter. Criteria: Invitae Variant Classification Sherloc (09022015). Collection method: clinical testing. Allele origin: germline.
Comment: This sequence change replaces arginine, which is basic and polar, with tryptophan, which is neutral and slightly polar, at codon 56 of the GABRA2 protein (p.Arg56Trp). This variant is present in population databases (no rsID available, gnomAD 0.01%). This variant has not been reported in the literature in individuals affected with GABRA2-related conditions. ClinVar contains an entry for this variant (Variation ID: 2102687). An algorithm developed to predict the effect of missense changes on protein structure and function (PolyPhen-2) suggests that this variant is likely to be disruptive. In summary, the available evidence is currently insufficient to determine the role of this variant in disease. Therefore, it has been classified as a Variant of Uncertain Significance.

Fulgent Genetics
Classification: Uncertain significance for Alcohol dependence; Developmental and epileptic encephalopathy, 78. Last evaluated: 2024-05-31. Review status: criteria provided, single submitter. Criteria: ACMG Guidelines, 2015. Collection method: clinical testing. Allele origin: germline.

Pediatric Neurology, Shengjing Hospital of China Medical University
Classification: Likely pathogenic for Developmental and epileptic encephalopathy, 78. Review status: no assertion criteria provided. Collection method: clinical testing. Allele origin: de novo. Inheritance: Autosomal dominant inheritance. Affected: yes. Observed: 1 heterozygote. Not counted in ClinVar's aggregate classification.
Comment: This variant has been reported once in ClinVar (Variant ID: 2102687) and is considered to be of uncertain significance. However, the frequency of this variant is less than 0.0005 in all normal population databases, and it is a mutation in a gene with a mis_Z score greater than or equal to 3.09 in the GnomAD database. Moreover, statistical methods predict that the variant has an impact on the gene product.